The following is an entry in ClinVar:

ClinVar aggregate classification (germline): Likely pathogenic (1 of 4 stars; one submission).

Conditions:
Neurofibromatosis, type 1 (NF1). Also called: Peripheral type neurofibromatosis; VON RECKLINGHAUSEN DISEASE; Neurofibromatosis, type I; NEUROFIBROMATOSIS, TYPE I, SOMATIC. Identifiers: Orphanet 636, MedGen C0027831, MONDO:0018975, OMIM 162200. Disease mechanism: loss of function.

Submission:

Labcorp Genetics (formerly Invitae), Labcorp
Classification: Likely pathogenic for Neurofibromatosis, type 1. Last evaluated: 2024-07-08. Review status: criteria provided, single submitter. Criteria: Invitae Variant Classification Sherloc (09022015). Collection method: clinical testing. Allele origin: germline.
Comment: This variant results in the deletion of part of exon 42 (c.6365-1_6365del) of the NF1 gene. It is expected to disrupt RNA splicing. Variants that disrupt the donor or acceptor splice site typically lead to a loss of protein function (PMID: 16199547), and loss-of-function variants in NF1 are known to be pathogenic (PMID: 10712197, 23913538). This variant is not present in population databases (gnomAD no frequency). This variant has not been reported in the literature in individuals affected with NF1-related conditions. Algorithms developed to predict the effect of sequence changes on RNA splicing suggest that this variant may disrupt the consensus splice site. In summary, the currently available evidence indicates that the variant is pathogenic, but additional data are needed to prove that conclusively. Therefore, this variant has been classified as Likely Pathogenic.

Literature cited by the submitters: PubMed 16199547; PubMed 10712197; PubMed 23913538.

NM_001042492.3(NF1):c.6428-1_6428del

Gene: NF1 (neurofibromin 1; plus strand). Cytogenetic location: 17q11.2.
Variant type: Deletion.
Coding change: c.6428-1_6428del on transcript NM_001042492.3 (MANE Select); the canonical splice acceptor site of the intron before coding-DNA position 6428 through coding-DNA position 6428, 2 bases deleted (GA; older notation c.6428-1_6428delGA).
Molecular consequence: splice acceptor variant.
Genome position (GRCh38, 1-based): chr17:31,337,367-31,337,368, GA deleted; deleting any 2 consecutive bases within chr17:31,337,366-31,337,368 gives the same sequence; the c. name uses the placement nearest the transcript's 3' end. VCF-style (leftmost placement, unchanged base first): chr17-31337365-CAG-C. GRCh37 (hg19) VCF-style: chr17-29664383-CAG-C.
Other names: c.6365-1_6365del (NM_000267.4).
Identifiers: ClinVar variation 2694472 (VCV002694472.3), dbSNP rs2508752805, ClinGen allele CA2697559550.